The following is an entry in ClinVar:

ClinVar aggregate classification (germline): Likely benign (1 of 4 stars; one submission).

gnomAD v4.1: 5,251 of 1,614,194 alleles (0.33%); highest among the groups gnomAD compares: Non-Finnish European, 0.41%; 8 homozygotes.

Submission:

CeGaT Center for Human Genetics Tuebingen
Classification: Likely benign. Last evaluated: 2026-09-01. Review status: criteria provided, single submitter. Criteria: CeGaT Center For Human Genetics Tuebingen Variant Classification Criteria Version 2. Collection method: clinical testing. Allele origin: germline. Affected: yes. Observed: 1 variant allele.
Comment: FICD: BP4, BP7

NM_007076.3(FICD):c.717C>A (p.Thr239=)

Gene: FICD (FIC domain protein adenylyltransferase; plus strand). Cytogenetic location: 12q23.3.
Variant type: single nucleotide variant.
Coding change: c.717C>A on transcript NM_007076.3 (MANE Select); coding-DNA position 717, C replaced by A.
Protein change: p.Thr239=; no amino-acid change (threonine 239 retained).
Molecular consequence: synonymous variant.
Genome position (GRCh38, 1-based): chr12:108,518,815, C>A. VCF-style: chr12-108518815-C-A. GRCh37 (hg19) VCF-style: chr12-108912592-C-A.
Identifiers: ClinVar variation 5040789 (VCV005040789.1).